The following is an entry in ClinVar:

NM_003070.5(SMARCA2):c.4536T>G (p.Ser1512Arg)

Gene: SMARCA2 (SWI/SNF related, matrix associated, actin dependent regulator of chromatin, subfamily a, member 2; plus strand). Cytogenetic location: 9p24.3.
Variant type: single nucleotide variant.
Coding change: c.4536T>G on transcript NM_003070.5 (MANE Select); coding-DNA position 4536, T replaced by G.
Protein change: p.Ser1512Arg; replaces serine 1512 with arginine.
Molecular consequence: missense variant.
Genome position (GRCh38, 1-based): chr9:2,186,170, T>G. VCF-style: chr9-2186170-T-G. GRCh37 (hg19) VCF-style: chr9-2186170-T-G.
Other names: c.4536T>G, p.Ser1512Arg (NM_001289396.2); c.4308T>G, p.Ser1436Arg (NM_001289397.2); c.510T>G, p.Ser170Arg (NM_001289398.2); c.594T>G, p.Ser198Arg (NM_001289399.2); c.600T>G, p.Ser200Arg (NM_001289400.2); c.4482T>G, p.Ser1494Arg (NM_139045.4); short protein forms S1512R, S200R, S1436R, S1494R, S170R, S198R.
Identifiers: ClinVar variation 3320676 (VCV003320676.1).

ClinVar aggregate classification (germline): Uncertain significance (1 of 4 stars; one submission).

Conditions:
Inborn genetic diseases. Identifiers: MedGen C0950123, MeSH D030342.

Submission:

Ambry Genetics
Classification: Uncertain significance for Inborn genetic diseases. Last evaluated: 2024-05-15. Review status: criteria provided, single submitter. Criteria: Ambry Variant Classification Scheme 2023. Collection method: clinical testing. Allele origin: germline.
Comment: The c.4536T>G (p.S1512R) alteration is located in exon 32 (coding exon 31) of the SMARCA2 gene. This alteration results from a T to G substitution at nucleotide position 4536, causing the serine (S) at amino acid position 1512 to be replaced by an arginine (R). This variant was not reported in population-based cohorts in the Genome Aggregation Database (gnomAD). This amino acid position is highly conserved in available vertebrate species. This alteration is predicted to be tolerated by in silico analysis. Based on insufficient or conflicting evidence, the clinical significance of this alteration remains unclear.